The following is an entry in ClinVar:

ClinVar aggregate classification (germline): Uncertain significance (1 of 4 stars; one submission).

Conditions:
Finnish congenital nephrotic syndrome (NPHS1). Also called: NEPHROTIC SYNDROME, TYPE 1. Identifiers: Orphanet 839, MedGen C0403399, MONDO:0009732, OMIM 256300.

Submission:

Centre for Mendelian Genomics, University Medical Centre Ljubljana
Classification: Uncertain significance for Finnish congenital nephrotic syndrome. Last evaluated: 2020-03-26. Review status: criteria provided, single submitter. Criteria: ACMG Guidelines, 2015. Collection method: clinical testing. Allele origin: unknown. Affected: yes.
Comment: This variant was classified as: Uncertain significance. The available evidence favors the pathogenic nature of this variant, however the currently available data is insufficient to conclusively support its pathogenic nature. Thus this variant is classified as Uncertain significance - favor pathogenic. The following ACMG criteria were applied in classifying this variant: PM2,PP2,PP4.

NM_004646.4(NPHS1):c.2708T>C (p.Leu903Pro)

Gene: NPHS1 (NPHS1 adhesion molecule, nephrin; minus strand). Cytogenetic location: 19q13.12.
Variant type: single nucleotide variant.
Coding change: c.2708T>C on transcript NM_004646.4 (MANE Select); coding-DNA position 2708, T replaced by C.
Protein change: p.Leu903Pro; replaces leucine 903 with proline.
Molecular consequence: missense variant.
Genome position (GRCh38, 1-based): chr19:35,841,822, A>G on the plus strand (T>C on the coding strand, the complement: NPHS1 is on the minus strand). VCF-style: chr19-35841822-A-G. GRCh37 (hg19) VCF-style: chr19-36332724-A-G.
Other names: short protein forms L903P.
Identifiers: ClinVar variation 930903 (VCV000930903.3), dbSNP rs755991857, ClinGen allele CA405390190.